The following is an entry in ClinVar:

NC_000011.10:g.8039027C>T

Gene: TUB (TUB bipartite transcription factor; plus strand). Cytogenetic location: 11p15.4.
Variant type: single nucleotide variant.
Molecular consequence: missense variant (on NM_003320.5). On other transcripts: intron variant (4).
Genome position: GRCh38 VCF-style: chr11-8039027-C-T. GRCh37 (hg19) VCF-style: chr11-8060574-C-T.
Other names: c.154C>T, p.Arg52Trp (NM_003320.5); c.56+19669C>T (NM_001440538.1, NM_001440539.1, NM_001440540.1 and 1 more transcripts); short protein forms R52W.
Identifiers: ClinVar variation 78730 (VCV000078730.11), dbSNP rs150936269, ClinGen allele CA5870826.

ClinVar aggregate classification (germline): Conflicting classifications of pathogenicity. Review status: criteria provided, conflicting classifications (1 of 4 stars). 4 submissions from 4 submitters: Uncertain significance (3); Likely benign (1). Last evaluated 2026-08-03.

Conditions:
TUB-related disorder. Also called: TUB-related condition.

Allele frequency attached by ClinVar (database versions not stated): ESP Exome Variant Server 0.00015; TOPMed 0.00015; gnomAD exomes 0.00009; gnomAD 0.00013; 1000 Genomes Project 0.00020; ExAC 0.00009; 1000 Genomes Project 30x 0.00016.
gnomAD v4.1: 293 of 1,612,258 alleles (0.018%); highest among the groups gnomAD compares: Non-Finnish European, 0.024%; no homozygotes.

Submissions (4):

PreventionGenetics, part of Exact Sciences
Classification: Uncertain significance for TUB-related condition. Last evaluated: 2026-08-03. Review status: criteria provided, single submitter. Criteria: ACMG Guidelines, 2015. Collection method: clinical testing. Allele origin: germline.
Comment: The TUB c.154C>T variant is predicted to result in the amino acid substitution p.Arg52Trp. To our knowledge, this variant has not been reported in the literature. This variant is reported in 0.019% of alleles in individuals of European (Non-Finnish) descent in gnomAD. At this time, the clinical significance of this variant is uncertain due to the absence of conclusive functional and genetic evidence.

Blueprint Genetics
Classification: Likely benign. Last evaluated: 2024-08-28. Review status: criteria provided, single submitter. Criteria: ACMG Guidelines, 2015. Collection method: clinical testing. Allele origin: germline.

Labcorp Genetics (formerly Invitae), Labcorp
Classification: Uncertain significance. Last evaluated: 2023-12-11. Review status: criteria provided, single submitter. Criteria: Invitae Variant Classification Sherloc (09022015). Collection method: clinical testing. Allele origin: germline.
Comment: This sequence change replaces arginine, which is basic and polar, with tryptophan, which is neutral and slightly polar, at codon 52 of the TUB protein (p.Arg52Trp). This variant is present in population databases (rs150936269, gnomAD 0.02%). This variant has not been reported in the literature in individuals affected with TUB-related conditions. ClinVar contains an entry for this variant (Variation ID: 78730). Algorithms developed to predict the effect of missense changes on protein structure and function output the following: SIFT: "Not Available"; PolyPhen-2: "Benign"; Align-GVGD: "Not Available". The tryptophan amino acid residue is found in multiple mammalian species, which suggests that this missense change does not adversely affect protein function. In summary, the available evidence is currently insufficient to determine the role of this variant in disease. Therefore, it has been classified as a Variant of Uncertain Significance.

Ambry Genetics
Classification: Uncertain significance. Last evaluated: 2021-07-09. Review status: criteria provided, single submitter. Criteria: Ambry Variant Classification Scheme 2023. Collection method: clinical testing. Allele origin: germline.